The following is an entry in ClinVar:

NM_000170.3(GLDC):c.1871C>T (p.Ala624Val)

Gene: GLDC (glycine decarboxylase; minus strand). Cytogenetic location: 9p24.1.
Variant type: single nucleotide variant.
Coding change: c.1871C>T on transcript NM_000170.3 (MANE Select); coding-DNA position 1871, C replaced by T.
Protein change: p.Ala624Val; replaces alanine 624 with valine.
Molecular consequence: missense variant.
Genome position (GRCh38, 1-based): chr9:6,565,409, G>A on the plus strand (C>T on the coding strand, the complement: GLDC is on the minus strand). VCF-style: chr9-6565409-G-A. GRCh37 (hg19) VCF-style: chr9-6565409-G-A.
Other names: short protein forms A624V.
Identifiers: ClinVar variation 949374 (VCV000949374.40), dbSNP rs779980470, ClinGen allele CA4980496.

ClinVar aggregate classification (germline): Uncertain significance. Review status: criteria provided, multiple submitters, no conflicts (2 of 4 stars). 3 submissions from 3 submitters: Uncertain significance (2). 1 of the submissions does not count toward it. Last evaluated 2025-05-26.

Conditions:
Glycine encephalopathy. Also called: Nonketotic hyperglycinemia; Non-ketotic hyperglycinemia. Identifiers: Orphanet 407, MedGen C0751748, MONDO:0011612, HP:0008288.

Allele frequency attached by ClinVar (database versions not stated): ExAC 0.00001; gnomAD 0.00001; TOPMed 0.00001.
gnomAD v4.1: 11 of 1,613,324 alleles (0.00068%); highest among the groups gnomAD compares: Non-Finnish European, 0.00093%; no homozygotes.

Submissions (3):

Labcorp Genetics (formerly Invitae), Labcorp
Classification: Uncertain significance for Glycine encephalopathy. Last evaluated: 2025-05-26. Review status: criteria provided, single submitter. Criteria: Invitae Variant Classification Sherloc (09022015). Collection method: clinical testing. Allele origin: germline.
Comment: This sequence change replaces alanine, which is neutral and non-polar, with valine, which is neutral and non-polar, at codon 624 of the GLDC protein (p.Ala624Val). This variant is present in population databases (rs779980470, gnomAD 0.003%). This variant has not been reported in the literature in individuals affected with GLDC-related conditions. ClinVar contains an entry for this variant (Variation ID: 949374). Invitae Evidence Modeling of protein sequence and biophysical properties (such as structural, functional, and spatial information, amino acid conservation, physicochemical variation, residue mobility, and thermodynamic stability) indicates that this missense variant is expected to disrupt GLDC protein function with a positive predictive value of 95%. In summary, the available evidence is currently insufficient to determine the role of this variant in disease. Therefore, it has been classified as a Variant of Uncertain Significance.

CeGaT Center for Human Genetics Tuebingen
Classification: Uncertain significance. Last evaluated: 2022-05-01. Review status: criteria provided, single submitter. Criteria: CeGaT Center For Human Genetics Tuebingen Variant Classification Criteria Version 2. Collection method: clinical testing. Allele origin: germline. Affected: yes. Observed: 1 variant allele.
Comment: GLDC: PM2, PS1:Supporting

Natera, Inc.
Classification: Uncertain significance for Non-ketotic hyperglycinemia. Last evaluated: 2020-11-11. Review status: no assertion criteria provided. Collection method: clinical testing. Allele origin: germline. Not counted in ClinVar's aggregate classification.